The following is an entry in ClinVar:

ClinVar aggregate classification (germline): Uncertain significance (1 of 4 stars; one submission).

Conditions:
Alstrom syndrome (ALMS). Identifiers: Orphanet 64, MedGen C0268425, MONDO:0008763, OMIM 203800.

gnomAD v4.1: 3 of 1,595,902 alleles (0.00019%); highest among the groups gnomAD compares: African/African-American, 0.0013%; no homozygotes.

Submission:

Labcorp Genetics (formerly Invitae), Labcorp
Classification: Uncertain significance for Alstrom syndrome. Last evaluated: 2021-12-19. Review status: criteria provided, single submitter. Criteria: Invitae Variant Classification Sherloc (09022015). Collection method: clinical testing. Allele origin: germline.
Comment: This sequence change replaces glutamic acid, which is acidic and polar, with glutamine, which is neutral and polar, at codon 72 of the ALMS1 protein (p.Glu72Gln). This variant is not present in population databases (gnomAD no frequency). This variant has not been reported in the literature in individuals affected with ALMS1-related conditions. Experimental studies and prediction algorithms are not available or were not evaluated, and the functional significance of this variant is currently unknown. In summary, the available evidence is currently insufficient to determine the role of this variant in disease. Therefore, it has been classified as a Variant of Uncertain Significance.

NM_001378454.1(ALMS1):c.211G>C (p.Glu71Gln)

Gene: ALMS1 (ALMS1 centrosome and basal body associated protein; plus strand). Cytogenetic location: 2p13.1.
Variant type: single nucleotide variant.
Coding change: c.211G>C on transcript NM_001378454.1 (MANE Select); coding-DNA position 211, G replaced by C.
Protein change: p.Glu71Gln; replaces glutamic acid 71 with glutamine.
Molecular consequence: missense variant.
Genome position (GRCh38, 1-based): chr2:73,386,079, G>C. VCF-style: chr2-73386079-G-C. GRCh37 (hg19) VCF-style: chr2-73613207-G-C.
Other names: c.214G>C, p.Glu72Gln (NM_015120.4); short protein forms E72Q, E71Q.
Identifiers: ClinVar variation 1518296 (VCV001518296.3), dbSNP rs757131983, ClinGen allele CA347250841.
Genomic context (GRCh38, chr2:73,386,079, plus strand): 5'-GGGCGGGAGTTGGACTCCGACTCTCACTACGGGCCCCAGCATCTGGAAAGTATAGACGAC[G>C]AGGAGGACGAGGAGGCCAAGGCCTGGCTGCAGGCGCACCCCGGCAGGATTTTGCCTCCGC-3'
Protein context (NP_001365383.1, residues 61-81): GPQHLESIDD[Glu71Gln]EDEEAKAWLQ